The following is an entry in ClinVar:

ClinVar aggregate classification (germline): Likely pathogenic (1 of 4 stars; one submission).

Conditions:
Arrhythmogenic right ventricular dysplasia 10. Also called: Arrhythmogenic Right Ventricular Dysplasia/Cardiomyopathy10; Arrhythmogenic right ventricular dysplasia/cardiomyopathy, type 10; ARRHYTHMOGENIC RIGHT VENTRICULAR DYSPLASIA, FAMILIAL, 10. Identifiers: MedGen C1857777, MONDO:0012434, OMIM 610193.

Submission:

Labcorp Genetics (formerly Invitae), Labcorp
Classification: Likely pathogenic for Arrhythmogenic right ventricular dysplasia 10. Last evaluated: 2022-02-07. Review status: criteria provided, single submitter. Criteria: Invitae Variant Classification Sherloc (09022015). Collection method: clinical testing. Allele origin: germline.
Comment: This variant has not been reported in the literature in individuals affected with DSG2-related conditions. This variant is not present in population databases (gnomAD no frequency). This sequence change affects an acceptor splice site in intron 7 of the DSG2 gene. It is expected to disrupt RNA splicing. Variants that disrupt the donor or acceptor splice site typically lead to a loss of protein function (PMID: 16199547), and loss-of-function variants in DSG2 are known to be pathogenic (PMID: 17105751, 31386562). Algorithms developed to predict the effect of sequence changes on RNA splicing suggest that this variant may disrupt the consensus splice site. In summary, the currently available evidence indicates that the variant is pathogenic, but additional data are needed to prove that conclusively. Therefore, this variant has been classified as Likely Pathogenic.

Literature cited by the submitters: PubMed 16199547; PubMed 17105751; PubMed 31386562.

NM_001943.5(DSG2):c.829-1G>A

Gene: DSG2 (desmoglein 2; plus strand). Cytogenetic location: 18q12.1.
Variant type: single nucleotide variant.
Coding change: c.829-1G>A on transcript NM_001943.5 (MANE Select); the canonical splice acceptor site of the intron before coding-DNA position 829, G replaced by A.
Molecular consequence: splice acceptor variant.
Genome position (GRCh38, 1-based): chr18:31,524,702, G>A. VCF-style: chr18-31524702-G-A. GRCh37 (hg19) VCF-style: chr18-29104665-G-A.
Identifiers: ClinVar variation 2094454 (VCV002094454.4), dbSNP rs2510912814, ClinGen allele CA402135354.